The following is an entry in ClinVar:

ClinVar aggregate classification (germline): Uncertain significance. Review status: criteria provided, multiple submitters, no conflicts (2 of 4 stars). 2 submissions from 2 submitters: Uncertain significance (2). Last evaluated 2024-10-04.

Conditions:
Gorlin syndrome. Also called: Nevoid Basal Cell Carcinoma Syndrome; Basal cell nevus syndrome. Identifiers: Orphanet 377, MedGen C0004779, MONDO:0007187.
Hereditary cancer-predisposing syndrome. Also called: Neoplastic Syndromes, Hereditary; Hereditary neoplastic syndrome; Tumor predisposition; Hereditary Cancer Syndrome. Identifiers: Orphanet 140162, MedGen C0027672, MeSH D009386, MONDO:0015356.

Submissions (2):

Ambry Genetics
Classification: Uncertain significance for Hereditary cancer-predisposing syndrome. Last evaluated: 2024-10-04. Review status: criteria provided, single submitter. Criteria: Ambry Variant Classification Scheme 2023. Collection method: clinical testing. Allele origin: germline.
Comment: The p.K333N variant (also known as c.999G>C), located in coding exon 7 of the PTCH1 gene, results from a G to C substitution at nucleotide position 999. The lysine at codon 333 is replaced by asparagine, an amino acid with similar properties. This amino acid position is conserved. In addition, the in silico prediction for this alteration is inconclusive. Based on the available evidence, the clinical significance of this variant remains unclear.

Labcorp Genetics (formerly Invitae), Labcorp
Classification: Uncertain significance for Gorlin syndrome. Last evaluated: 2022-07-06. Review status: criteria provided, single submitter. Criteria: Invitae Variant Classification Sherloc (09022015). Collection method: clinical testing. Allele origin: germline.
Comment: Algorithms developed to predict the effect of missense changes on protein structure and function (SIFT, PolyPhen-2, Align-GVGD) all suggest that this variant is likely to be tolerated. In summary, the available evidence is currently insufficient to determine the role of this variant in disease. Therefore, it has been classified as a Variant of Uncertain Significance. This variant has not been reported in the literature in individuals affected with PTCH1-related conditions. This variant is not present in population databases (gnomAD no frequency). This sequence change replaces lysine, which is basic and polar, with asparagine, which is neutral and polar, at codon 333 of the PTCH1 protein (p.Lys333Asn).

NM_000264.5(PTCH1):c.999G>C (p.Lys333Asn)

Gene: PTCH1 (patched 1; minus strand). Cytogenetic location: 9q22.32.
Variant type: single nucleotide variant.
Coding change: c.999G>C on transcript NM_000264.5 (MANE Select); coding-DNA position 999, G replaced by C.
Protein change: p.Lys333Asn; replaces lysine 333 with asparagine.
Molecular consequence: missense variant. On other transcripts: non-coding transcript variant (1).
Genome position (GRCh38, 1-based): chr9:95,480,037, C>G on the plus strand (G>C on the coding strand, the complement: PTCH1 is on the minus strand). VCF-style: chr9-95480037-C-G. GRCh37 (hg19) VCF-style: chr9-98242319-C-G.
Other names: c.801G>C, p.Lys267Asn (NM_001083602.3); c.996G>C, p.Lys332Asn (NM_001083603.3); c.546G>C, p.Lys182Asn (NM_001083604.3, NM_001083605.3, NM_001083606.3 and 1 more transcripts); c.999G>C, p.Lys333Asn (NM_001354918.2); short protein forms K267N, K332N, K182N, K333N.
Identifiers: ClinVar variation 1937993 (VCV001937993.6), dbSNP rs1841407046, ClinGen allele CA374119707.